The following is an entry in ClinVar:

ClinVar aggregate classification (germline): Uncertain significance (1 of 4 stars; one submission).

Conditions:
VPS13B-related disorder. Also called: VPS13B-related condition.

Submission:

PreventionGenetics, part of Exact Sciences
Classification: Uncertain significance for VPS13B-related condition. Last evaluated: 2025-02-09. Review status: criteria provided, single submitter. Criteria: ACMG Guidelines, 2015. Collection method: clinical testing. Allele origin: germline.
Comment: The VPS13B c.6528C>G variant is predicted to result in the amino acid substitution p.Ser2176Arg. To our knowledge, this variant has not been reported in the literature or in a large population database (gnomAD), indicating this variant is rare. At this time, the clinical significance of this variant is uncertain due to the absence of conclusive functional and genetic evidence.

NM_152564.5(VPS13B):c.6528C>G (p.Ser2176Arg)

Gene: VPS13B (vacuolar protein sorting 13 homolog B; plus strand). Cytogenetic location: 8q22.2.
Variant type: single nucleotide variant.
Coding change: c.6528C>G on transcript NM_152564.5 (MANE Select); coding-DNA position 6528, C replaced by G.
Protein change: p.Ser2176Arg; replaces serine 2176 with arginine.
Molecular consequence: missense variant.
Genome position (GRCh38, 1-based): chr8:99,717,244, C>G. VCF-style: chr8-99717244-C-G. GRCh37 (hg19) VCF-style: chr8-100729472-C-G.
Other names: c.6603C>G, p.Ser2201Arg (NM_017890.5); short protein forms S2176R, S2201R.
Identifiers: ClinVar variation 4996889 (VCV004996889.1).
Genomic context (GRCh38, chr8:99,717,244, plus strand): 5'-GTCATCATTTCTACTCAGTATAAACGATTTTCTCCTTAAAACAAGTCTCAAAGAAAGAAG[C>G]CGCATTCTGATAGGACCATGTTGTGCTACTGCCAATCTGGAAGCTAAGTGGTGTAAACAC-3'
Protein context (NP_689777.3, residues 2166-2186): FLLKTSLKER[Ser2176Arg]RILIGPCCAT